The following is an entry in ClinVar:

ClinVar aggregate classification (germline): Uncertain significance (1 of 4 stars; one submission).

Submission:

Labcorp Genetics (formerly Invitae), Labcorp
Classification: Uncertain significance. Last evaluated: 2021-02-20. Review status: criteria provided, single submitter. Criteria: Invitae Variant Classification Sherloc (09022015). Collection method: clinical testing. Allele origin: germline.
Comment: This sequence change replaces cysteine with phenylalanine at codon 429 of the KIZ protein (p.Cys429Phe). The cysteine residue is moderately conserved and there is a large physicochemical difference between cysteine and phenylalanine. This variant is not present in population databases (ExAC no frequency). This variant has not been reported in the literature in individuals with KIZ-related conditions. Experimental studies and prediction algorithms are not available or were not evaluated, and the functional significance of this variant is currently unknown. In summary, the available evidence is currently insufficient to determine the role of this variant in disease. Therefore, it has been classified as a Variant of Uncertain Significance.

NM_018474.6(KIZ):c.1286G>T (p.Cys429Phe)

Gene: KIZ (kizuna centrosomal protein; plus strand). Cytogenetic location: 20p11.23.
Variant type: single nucleotide variant.
Coding change: c.1286G>T on transcript NM_018474.6 (MANE Select); coding-DNA position 1286, G replaced by T.
Protein change: p.Cys429Phe; replaces cysteine 429 with phenylalanine.
Molecular consequence: missense variant.
Genome position (GRCh38, 1-based): chr20:21,163,093, G>T. VCF-style: chr20-21163093-G-T. GRCh37 (hg19) VCF-style: chr20-21143734-G-T.
Other names: c.977G>T, p.Cys326Phe (NM_001163022.3, NM_001352435.2); c.887G>T, p.Cys296Phe (NM_001163023.3); c.1139G>T, p.Cys380Phe (NM_001276389.2); c.1286G>T, p.Cys429Phe (NM_001352434.2); c.944G>T, p.Cys315Phe (NM_001352436.2); short protein forms C315F, C380F, C296F, C429F, C326F.
Identifiers: ClinVar variation 1469136 (VCV001469136.6), dbSNP rs2122705289, ClinGen allele CA408493854.